The following is an entry in ClinVar:

NM_005912.3(MC4R):c.935C>G (p.Thr312Ser)

Gene: MC4R (melanocortin 4 receptor; minus strand). Cytogenetic location: 18q21.32.
Variant type: single nucleotide variant.
Coding change: c.935C>G on transcript NM_005912.3 (MANE Select); coding-DNA position 935, C replaced by G.
Protein change: p.Thr312Ser; replaces threonine 312 with serine.
Molecular consequence: missense variant.
Genome position (GRCh38, 1-based): chr18:60,371,415, G>C on the plus strand (C>G on the coding strand, the complement: MC4R is on the minus strand). VCF-style: chr18-60371415-G-C. GRCh37 (hg19) VCF-style: chr18-58038648-G-C.
Other names: short protein forms T312S.
Identifiers: ClinVar variation 1804514 (VCV001804514.1), dbSNP rs1157656544, ClinGen allele CA402718764.

ClinVar aggregate classification (germline): Uncertain significance (1 of 4 stars; one submission).

Allele frequency attached by ClinVar (database versions not stated): TOPMed 0.00002.

Submission:

GeneDx
Classification: Uncertain significance. Last evaluated: 2022-06-18. Review status: criteria provided, single submitter. Criteria: GeneDx Variant Classification Process June 2021. Collection method: clinical testing. Allele origin: germline. Affected: yes.
Comment: Not observed at significant frequency in large population cohorts (gnomAD); In silico analysis supports that this missense variant has a deleterious effect on protein structure/function; Has not been previously published as pathogenic or benign to our knowledge